The following is an entry in ClinVar:

ClinVar aggregate classification (germline): Uncertain significance (1 of 4 stars; one submission).

Conditions:
Microcephaly, normal intelligence and immunodeficiency (NBS). Also called: Nijmegen breakage syndrome; SEEMANOVA SYNDROME II; IMMUNODEFICIENCY, MICROCEPHALY, AND CHROMOSOMAL INSTABILITY; Immunodeficiency, microcephaly with normal intelligence; Ataxia telangiectasia variant V1; Microcephaly with normal intelligence immunodeficiency and lymphoreticular malignancies. Identifiers: Orphanet 647, MedGen C0398791, MONDO:0009623, OMIM 251260.

Submission:

Labcorp Genetics (formerly Invitae), Labcorp
Classification: Uncertain significance for Microcephaly, normal intelligence and immunodeficiency. Last evaluated: 2021-07-13. Review status: criteria provided, single submitter. Criteria: Invitae Variant Classification Sherloc (09022015). Collection method: clinical testing. Allele origin: germline.
Comment: In summary, the available evidence is currently insufficient to determine the role of this variant in disease. Therefore, it has been classified as a Variant of Uncertain Significance. Algorithms developed to predict the effect of sequence changes on RNA splicing suggest that this variant may create or strengthen a splice site. Algorithms developed to predict the effect of missense changes on protein structure and function (SIFT, PolyPhen-2, Align-GVGD) all suggest that this variant is likely to be tolerated. This variant has not been reported in the literature in individuals affected with NBN-related conditions. This variant is not present in population databases (ExAC no frequency). This sequence change replaces aspartic acid with glycine at codon 560 of the NBN protein (p.Asp560Gly). The aspartic acid residue is weakly conserved and there is a moderate physicochemical difference between aspartic acid and glycine.

NM_002485.5(NBN):c.1679A>G (p.Asp560Gly)

Gene: NBN (nibrin; minus strand). Cytogenetic location: 8q21.3.
Variant type: single nucleotide variant.
Coding change: c.1679A>G on transcript NM_002485.5 (MANE Select); coding-DNA position 1679, A replaced by G.
Protein change: p.Asp560Gly; replaces aspartic acid 560 with glycine.
Molecular consequence: missense variant.
Genome position (GRCh38, 1-based): chr8:89,953,410, T>C on the plus strand (A>G on the coding strand, the complement: NBN is on the minus strand). VCF-style: chr8-89953410-T-C. GRCh37 (hg19) VCF-style: chr8-90965638-T-C.
Other names: c.1433A>G, p.Asp478Gly (NM_001024688.3); short protein forms D478G, D560G.
Identifiers: ClinVar variation 1367160 (VCV001367160.8), dbSNP rs2129698759, ClinGen allele CA371655334.
Genomic context (GRCh38, chr8:89,953,410, plus strand): 5'-ACTTTCACATCAATTTCTAACTCTGGTTTTGTGTCCTTGAATAACTGTTCCAATACTTCA[T>C]CTTCTATGGCCACATCATCCATTTCCCTTTTTTTATTTGATCTTAGCTTTTCTGCAGCAT-3'
Protein context (NP_002476.2, residues 550-570): KREMDDVAIE[Asp560Gly]EVLEQLFKDT